The following is an entry in ClinVar:

NM_001244008.2(KIF1A):c.217G>T (p.Val73Leu)

Gene: KIF1A (kinesin family member 1A; minus strand). Cytogenetic location: 2q37.3.
Variant type: single nucleotide variant.
Coding change: c.217G>T on transcript NM_001244008.2 (MANE Select); coding-DNA position 217, G replaced by T.
Protein change: p.Val73Leu; replaces valine 73 with leucine.
Molecular consequence: missense variant.
Genome position (GRCh38, 1-based): chr2:240,788,197, C>A on the plus strand (G>T on the coding strand, the complement: KIF1A is on the minus strand). VCF-style: chr2-240788197-C-A. GRCh37 (hg19) VCF-style: chr2-241727614-C-A.
Other names: c.217G>T (NM_004321.5); c.217G>T, p.Val73Leu (NM_001320705.2, NM_001330289.2, NM_001330290.2 and 20 more transcripts); short protein forms V73L.
Identifiers: ClinVar variation 989189 (VCV000989189.10), dbSNP rs770463399, ClinGen allele CA2208848.

ClinVar aggregate classification (germline): Conflicting classifications of pathogenicity. Review status: criteria provided, conflicting classifications (1 of 4 stars). 4 submissions from 4 submitters: Pathogenic (1); Uncertain significance (2). 1 of the submissions does not count toward it. Last evaluated 2025-10-15.

Conditions:
Inborn genetic diseases. Identifiers: MedGen C0950123, MeSH D030342.
Hereditary spastic paraplegia 30. Identifiers: Orphanet 101010, MedGen C5235139, MONDO:0012476.
Neuropathy, hereditary sensory, type 2C. Also called: Hereditary sensory and autonomic neuropathy type IIC; KIF1A-Related HSAN2 (HSAN2C). Identifiers: Orphanet 970, MedGen C3280168, MONDO:0013634, OMIM 614213.
Intellectual disability, autosomal dominant 9 (NESCAVS). Also called: KIF1A-Related Neurodevelopmental Disorder; NESCAV SYNDROME. Identifiers: Orphanet 662367, MedGen C5393830, MONDO:0013656, OMIM 614255.

Allele frequency attached by ClinVar (database versions not stated): gnomAD exomes 0.00001; TOPMed below 0.00001; ExAC 0.00001; gnomAD 0.00001.
gnomAD v4.1: 6 of 1,613,788 alleles (0.00037%); highest among the groups gnomAD compares: Non-Finnish European, 0.000085%; no homozygotes.

Submissions (4):

Labcorp Genetics (formerly Invitae), Labcorp
Classification: Uncertain significance for Hereditary spastic paraplegia 30; Neuropathy, hereditary sensory, type 2C; Intellectual disability, autosomal dominant 9. Last evaluated: 2025-10-15. Review status: criteria provided, single submitter. Criteria: Invitae Variant Classification Sherloc (09022015). Collection method: clinical testing. Allele origin: germline.
Comment: This sequence change replaces valine, which is neutral and non-polar, with leucine, which is neutral and non-polar, at codon 73 of the KIF1A protein (p.Val73Leu). This variant is present in population databases (rs770463399, gnomAD 0.02%). This missense change has been observed in individual(s) with clinical features of hereditary spastic paraplegia (PMID: 34983064). ClinVar contains an entry for this variant (Variation ID: 989189). Invitae Evidence Modeling of protein sequence and biophysical properties (such as structural, functional, and spatial information, amino acid conservation, physicochemical variation, residue mobility, and thermodynamic stability) indicates that this missense variant is expected to disrupt KIF1A protein function with a positive predictive value of 95%. In summary, the available evidence is currently insufficient to determine the role of this variant in disease. Therefore, it has been classified as a Variant of Uncertain Significance.

Ambry Genetics
Classification: Uncertain significance for Inborn genetic diseases. Last evaluated: 2025-09-29. Review status: criteria provided, single submitter. Criteria: Ambry Variant Classification Scheme 2023. Collection method: clinical testing. Allele origin: germline.
Comment: The c.217G>T (p.V73L) alteration is located in exon 4 (coding exon 3) of the KIF1A gene. This alteration results from a G to T substitution at nucleotide position 217, causing the valine (V) at amino acid position 73 to be replaced by a leucine (L). Based on data from gnomAD, the T allele has an overall frequency of 0.001% (2/248742) total alleles studied. The highest observed frequency was <0.001% (/) of alleles. This variant was reported in individual(s) with features consistent with KIF1A-related neuronal disorder (M&eacute;reaux, 2022). Other variant(s) at the same codon, c.218T>G (p.V73G), have been identified in individual(s) with features consistent with autosomal dominant KIF1A-related neuronal disorder (Paprocka, 2023). This amino acid position is highly conserved in available vertebrate species. This missense alteration is located in a region that has a low rate of benign missense variation (Lek, 2016; Firth, 2009). This alteration is predicted to be deleterious by in silico analysis. Based on insufficient or conflicting evidence, the clinical significance of this alteration remains unclear.

Paris Brain Institute, Inserm - ICM
Classification: Pathogenic for Spastic paraplegia 30A, autosomal dominant. Review status: criteria provided, single submitter. Criteria: ACMG Guidelines, 2015. Collection method: clinical testing. Allele origin: unknown. Affected: yes. Observed: 1 variant allele.

Department of Pathology and Laboratory Medicine, Sinai Health System
Classification: Uncertain significance. Review status: no assertion criteria provided. Collection method: clinical testing. Allele origin: unknown. Affected: yes. Study: The Canadian Open Genetics Repository (COGR). Not counted in ClinVar's aggregate classification.
Comment: The KIF1A p.Val73Leu variant was not identified in the literature nor was it identified in the ClinVar, Cosmic or LOVD 3.0 databases. The variant was identified in dbSNP (ID: rs770463399) and in control databases in 2 of 248742 chromosomes at a frequency of 0.000008 (Genome Aggregation Database Feb 27, 2017). The variant was observed in the following population: Ashkenazi Jewish in 2 of 10026 chromosomes (freq: 0.0002), it was not observed in the African, Latino, East Asian, European (Finnish), European (non-Finnish), Other, and South Asian populations. The p.Val73 residue is highly conserved in mammals however computational analyses (PolyPhen-2, SIFT, AlignGVGD, BLOSUM, MutationTaster) provide inconsistent predictions regarding the impact to the protein; this information is not very predictive of pathogenicity. In summary, based on the above information the clinical significance of this variant cannot be determined with certainty at this time. This variant is classified as a variant of uncertain significance.

Literature cited by the submitters: PubMed 34983064 (cited by Labcorp Genetics (formerly Invitae), Labcorp and Ambry Genetics); PubMed 37239332 (cited by Ambry Genetics).